The following is an entry in ClinVar:

NM_001035.3(RYR2):c.2792A>C (p.Tyr931Ser)

Gene: RYR2 (ryanodine receptor 2; plus strand). Cytogenetic location: 1q43.
Variant type: single nucleotide variant.
Coding change: c.2792A>C on transcript NM_001035.3 (MANE Select); coding-DNA position 2792, A replaced by C.
Protein change: p.Tyr931Ser; replaces tyrosine 931 with serine.
Molecular consequence: missense variant.
Genome position (GRCh38, 1-based): chr1:237,511,761, A>C. VCF-style: chr1-237511761-A-C. GRCh37 (hg19) VCF-style: chr1-237675061-A-C.
Other names: short protein forms Y931S.
Identifiers: ClinVar variation 3075187 (VCV003075187.1), dbSNP rs2545967063, ClinGen allele CA345383455.
Genomic context (GRCh38, chr1:237,511,761, plus strand): 5'-ACAAGAGACAACACCCATGCCTGGTGGAGTTCTCCAAGCTGCCTGAACAGGAGCGCAATT[A>C]CAACTTACAAATGTCGCTTGAGACCCTGAAGTGAGTTTCTTAACTTTTTCTATTTTCCAA-3'
Protein context (NP_001026.2, residues 921-941): FSKLPEQERN[Tyr931Ser]NLQMSLETLK

ClinVar aggregate classification (germline): Uncertain significance (1 of 4 stars; one submission).

Conditions:
Catecholaminergic polymorphic ventricular tachycardia (CVPT). Also called: Catecholamine-induced polymorphic ventricular tachycardia. Identifiers: Orphanet 3286, MedGen C5574922, MONDO:0017990.

Submission:

All of Us Research Program, National Institutes of Health
Classification: Uncertain significance for Catecholaminergic polymorphic ventricular tachycardia. Last evaluated: 2023-12-18. Review status: criteria provided, single submitter. Criteria: ACMG Guidelines, 2015. Collection method: clinical testing. Allele origin: germline. Inheritance: Autosomal dominant inheritance. Observed: 1 variant allele, 1 heterozygote.
Comment: This missense variant replaces tyrosine with serine at codon 931 of the RYR2 protein. Computational prediction suggests that this variant may have deleterious impact on protein structure and function (internally defined REVEL score threshold >= 0.7, PMID: 27666373). To our knowledge, functional studies have not been reported for this variant. This variant has not been reported in individuals affected with RYR2-related disorders in the literature. This variant has not been identified in the general population by the Genome Aggregation Database (gnomAD). The available evidence is insufficient to determine the role of this variant in disease conclusively. Therefore, this variant is classified as a Variant of Uncertain Significance.

This study involves interpretation of variants in research participants for the purpose of population health screening. Participant phenotype was not available at the time of variant classification. Additional details can be found in publication PMID: 35346344, PMCID: PMC8962531